The following is an entry in ClinVar:

ClinVar aggregate classification (germline): Conflicting classifications of pathogenicity. Review status: criteria provided, conflicting classifications (1 of 4 stars). 2 submissions from 2 submitters: Uncertain significance (1); Likely benign (1). Last evaluated 2024-12-20.

Conditions:
KMT2D-related disorder. Also called: KMT2D-Related Disorders.
Kabuki syndrome 1 (KABUK1). Also called: KMT2D-Related Kabuki Syndrome. Identifiers: Orphanet 2322, MedGen CN030661, MONDO:0007843, OMIM 147920.

Allele frequency attached by ClinVar (database versions not stated): gnomAD exomes below 0.00001; TOPMed below 0.00001; gnomAD 0.00001.
gnomAD v4.1: 3 of 1,605,950 alleles (0.00019%); highest among the groups gnomAD compares: Non-Finnish European, 0.00026%; no homozygotes.

Submissions (2):

PreventionGenetics, part of Exact Sciences
Classification: Uncertain significance for KMT2D-related condition. Last evaluated: 2024-12-20. Review status: criteria provided, single submitter. Criteria: ACMG Guidelines, 2015. Collection method: clinical testing. Allele origin: germline.
Comment: The KMT2D c.5990C>T variant is predicted to result in the amino acid substitution p.Ser1997Phe. To our knowledge, this variant has not been reported in the literature or in a large population database (gnomAD), indicating this variant is rare. At this time, the clinical significance of this variant is uncertain due to the absence of conclusive functional and genetic evidence.

Tartaglia Lab, Genetics and Rare Diseases Research Division, Bambino Gesu' Children's Hospital
Classification: Likely benign for Kabuki syndrome 1. Last evaluated: 2023-12-31. Review status: criteria provided, single submitter. Criteria: ACMG Guidelines, 2015. Collection method: research. Allele origin: paternal. Affected: yes.
Comment: The variant was functionally validated by DNA methylayion profiling using a previously reported Kabuki syndrome-specific episignature (PMID: 32109418)

NM_003482.4(KMT2D):c.5990C>T (p.Ser1997Phe)

Gene: KMT2D (lysine methyltransferase 2D; minus strand). Cytogenetic location: 12q13.12.
Variant type: single nucleotide variant.
Coding change: c.5990C>T on transcript NM_003482.4 (MANE Select); coding-DNA position 5990, C replaced by T.
Protein change: p.Ser1997Phe; replaces serine 1997 with phenylalanine.
Molecular consequence: missense variant.
Genome position (GRCh38, 1-based): chr12:49,042,208, G>A on the plus strand (C>T on the coding strand, the complement: KMT2D is on the minus strand). VCF-style: chr12-49042208-G-A. GRCh37 (hg19) VCF-style: chr12-49435991-G-A.
Other names: short protein forms S1997F.
Identifiers: ClinVar variation 2687905 (VCV002687905.2), dbSNP rs1198472118.